The following is an entry in ClinVar:

NM_001253697.2(ERBIN):c.1845del (p.Pro615_Leu616insTer)

Gene: ERBIN (erbb2 interacting protein; plus strand). Cytogenetic location: 5q12.3.
Variant type: Deletion.
Coding change: c.1845del on transcript NM_001253697.2 (MANE Select); coding-DNA position 1845, one base deleted (A; older notation c.1845delA).
Protein change: p.Pro615_Leu616insTer.
Molecular consequence: frameshift variant.
Genome position (GRCh38, 1-based): chr5:66,048,723, A deleted. VCF-style (leftmost placement, unchanged base first): chr5-66048722-CA-C. GRCh37 (hg19) VCF-style: chr5-65344550-CA-C.
Other names: c.1845del, p.Pro615_Leu616insTer (NM_001006600.3, NM_001253698.2, NM_001253699.2 and 1 more transcripts); c.1833del, p.Pro611_Leu612insTer (NM_001253701.2).
Identifiers: ClinVar variation 3650946 (VCV003650946.2).

ClinVar aggregate classification (germline): Uncertain significance (1 of 4 stars; one submission).

Submission:

Labcorp Genetics (formerly Invitae), Labcorp
Classification: Uncertain significance. Last evaluated: 2025-05-19. Review status: criteria provided, single submitter. Criteria: Invitae Variant Classification Sherloc (09022015). Collection method: clinical testing. Allele origin: germline.
Comment: This sequence change creates a premature translational stop signal (p.Leu616*) in the ERBIN gene. It is expected to result in an absent or disrupted protein product. However, the current clinical and genetic evidence is not sufficient to establish whether loss-of-function variants in ERBIN cause disease. This variant is not present in population databases (gnomAD no frequency). This variant has not been reported in the literature in individuals affected with ERBIN-related conditions. ClinVar contains an entry for this variant (Variation ID: 3650946). In summary, the available evidence is currently insufficient to determine the role of this variant in disease. Therefore, it has been classified as a Variant of Uncertain Significance.